The following is an entry in ClinVar:

ClinVar aggregate classification (germline): Uncertain significance (1 of 4 stars; one submission).

Allele frequency attached by ClinVar (database versions not stated): gnomAD 0.00001; TOPMed 0.00001; ExAC 0.00004.

Submission:

Labcorp Genetics (formerly Invitae), Labcorp
Classification: Uncertain significance. Last evaluated: 2023-07-27. Review status: criteria provided, single submitter. Criteria: Invitae Variant Classification Sherloc (09022015). Collection method: clinical testing. Allele origin: germline.
Comment: In summary, the available evidence is currently insufficient to determine the role of this variant in disease. Therefore, it has been classified as a Variant of Uncertain Significance. Advanced modeling of protein sequence and biophysical properties (such as structural, functional, and spatial information, amino acid conservation, physicochemical variation, residue mobility, and thermodynamic stability) has been performed at Invitae for this missense variant, however the output from this modeling did not meet the statistical confidence thresholds required to predict the impact of this variant on TECTA protein function. This missense change has been observed in individual(s) with deafness (PMID: 9590290). This variant is present in population databases (rs267607107, gnomAD 0.06%). This sequence change replaces glycine, which is neutral and non-polar, with aspartic acid, which is acidic and polar, at codon 1824 of the TECTA protein (p.Gly1824Asp).

Literature cited by the submitters: PubMed 9590290.

NM_005422.4(TECTA):c.5471G>A (p.Gly1824Asp)

Genes: TBCEL-TECTA (TBCEL-TECTA readthrough; plus strand), TECTA (tectorin alpha; plus strand). Cytogenetic location: 11q23.3.
Variant type: single nucleotide variant.
Coding change: c.5471G>A on transcript NM_005422.4 (MANE Select); coding-DNA position 5471, G replaced by A.
Protein change: p.Gly1824Asp; replaces glycine 1824 with aspartic acid.
Molecular consequence: missense variant.
Genome position (GRCh38, 1-based): chr11:121,166,665, G>A. VCF-style: chr11-121166665-G-A. GRCh37 (hg19) VCF-style: chr11-121037374-G-A.
Other names: c.6413G>A, p.Gly2138Asp (NM_001378761.1); short protein forms G1824D, G2138D.
Identifiers: ClinVar variation 242728 (VCV000242728.4), dbSNP rs267607107, ClinGen allele CA353707.